The following is an entry in ClinVar:

ClinVar aggregate classification (germline): Pathogenic. Review status: criteria provided, multiple submitters, no conflicts (2 of 4 stars). 3 submissions from 3 submitters: Pathogenic (2). 1 of the submissions does not count toward it. Last evaluated 2025-12-26.

Conditions:
Junctional epidermolysis bullosa. Identifiers: Orphanet 305, MedGen C0079301, MONDO:0017612.
Junctional epidermolysis bullosa gravis of Herlitz. Also called: EPIDERMOLYSIS BULLOSA, JUNCTIONAL 1B, SEVERE; Epidermolysis Bullosa Letalis; EPIDERMOLYSIS BULLOSA JUNCTIONALIS, HERLITZ TYPE; EPIDERMOLYSIS BULLOSA, JUNCTIONAL, HERLITZ-PEARSON TYPE; JEB-HERLITZ TYPE; Herlitz-type junctional epidermolysis bullosa. Identifiers: Orphanet 79404, MedGen C0079683, MONDO:0009182, OMIM 226700.

Submissions (3):

Women's Health and Genetics/Laboratory Corporation of America, LabCorp
Classification: Pathogenic for Junctional epidermolysis bullosa. Last evaluated: 2025-12-26. Review status: criteria provided, single submitter. Criteria: LabCorp Variant Classification Summary - May 2015. Collection method: clinical testing. Allele origin: germline.
Comment: Variant summary: LAMA3 c.1740delC (p.Glu581ArgfsX18) results in a premature termination codon, predicted to cause a truncation of the encoded protein or absence of the protein due to nonsense mediated decay, which are commonly known mechanisms for disease. The variant was absent in 250650 control chromosomes. To our knowledge, no occurrence of c.1740delC in individuals affected with LAMA3-related conditions and no experimental evidence demonstrating its impact on protein function have been reported. ClinVar contains an entry for this variant (Variation ID: 556752). Based on the evidence outlined above, the variant was classified as pathogenic.

Labcorp Genetics (formerly Invitae), Labcorp
Classification: Pathogenic. Last evaluated: 2022-12-30. Review status: criteria provided, single submitter. Criteria: Invitae Variant Classification Sherloc (09022015). Collection method: clinical testing. Allele origin: germline.
Comment: This variant has not been reported in the literature in individuals affected with LAMA3-related conditions. For these reasons, this variant has been classified as Pathogenic. ClinVar contains an entry for this variant (Variation ID: 556752). This variant is not present in population databases (gnomAD no frequency). This sequence change creates a premature translational stop signal (p.Glu581Argfs*18) in the LAMA3 gene. It is expected to result in an absent or disrupted protein product. Loss-of-function variants in LAMA3 are known to be pathogenic (PMID: 10366601, 11810295, 12915477, 16473856, 17362460, 22434185, 23869449, 27827380, 28087116).

Counsyl
Classification: Likely pathogenic for Junctional epidermolysis bullosa gravis of Herlitz. Last evaluated: 2018-02-15. Review status: no assertion criteria provided. Collection method: clinical testing. Allele origin: unknown. Not counted in ClinVar's aggregate classification.

Literature cited by the submitters: PubMed 10366601 (cited by Labcorp Genetics (formerly Invitae), Labcorp); PubMed 11810295 (cited by Labcorp Genetics (formerly Invitae), Labcorp); PubMed 12915477 (cited by Labcorp Genetics (formerly Invitae), Labcorp); PubMed 16473856 (cited by Labcorp Genetics (formerly Invitae), Labcorp); PubMed 17362460 (cited by Labcorp Genetics (formerly Invitae), Labcorp); PubMed 22434185 (cited by Labcorp Genetics (formerly Invitae), Labcorp); PubMed 23869449 (cited by Labcorp Genetics (formerly Invitae), Labcorp); PubMed 27827380 (cited by Labcorp Genetics (formerly Invitae), Labcorp); PubMed 28087116 (cited by Labcorp Genetics (formerly Invitae), Labcorp).

NM_198129.4(LAMA3):c.6567del (p.Glu2190fs)

Gene: LAMA3 (laminin subunit alpha 3; plus strand). Cytogenetic location: 18q11.2.
Variant type: Deletion.
Coding change: c.6567del on transcript NM_198129.4 (MANE Select); coding-DNA position 6567, one base deleted (C; older notation c.6567delC).
Protein change: p.Glu2190fs; shifts the reading frame from glutamic acid 2190.
Molecular consequence: frameshift variant.
Genome position (GRCh38, 1-based): chr18:23,904,646, C deleted; the last of 2 consecutive C bases (chr18:23,904,645-23,904,646); deleting either gives the same sequence. VCF-style (leftmost placement, unchanged base first): chr18-23904644-GC-G. GRCh37 (hg19) VCF-style: chr18-21484608-GC-G.
Other names: c.1740del, p.Glu581fs (NM_000227.6); c.6399del, p.Glu2134fs (NM_001127717.4); c.1572del, p.Glu525fs (NM_001127718.4); c.1740delC (NM_000227.6); short protein forms E2134fs, E581fs, E2190fs, E525fs.
Identifiers: ClinVar variation 556752 (VCV000556752.10), dbSNP rs1555732939, ClinGen allele CA658824120.